The following is an entry in ClinVar:

NM_016529.6(ATP8A2):c.1868-2A>G

Gene: ATP8A2 (ATPase phospholipid transporting 8A2). Cytogenetic location: 13q12.13.
Variant type: single nucleotide variant.
Coding change: c.1868-2A>G on transcript NM_016529.6 (MANE Select); the canonical splice acceptor site of the intron before coding-DNA position 1868, A replaced by G.
Molecular consequence: splice acceptor variant.
Genome position (GRCh38, 1-based): chr13:25,579,806, A>G. VCF-style: chr13-25579806-A-G. GRCh37 (hg19) VCF-style: chr13-26153944-A-G.
Other names: c.1868-2A>G (NM_001411005.1, NM_001411006.1); c.1748-2A>G (NM_001313741.1).
Identifiers: ClinVar variation 812083 (VCV000812083.3), dbSNP rs2039720333, ClinGen allele CA387615106.

ClinVar aggregate classification (germline): Likely pathogenic (0 of 4 stars; one submission).

Conditions:
Cerebellar ataxia, impaired intellectual development, and dysequilibrium syndrome 4. Also called: CEREBELLAR ATAXIA AND MENTAL RETARDATION WITH OR WITHOUT QUADRUPEDAL LOCOMOTION 4; Cerebellar ataxia, mental retardation, and dysequilibrium syndrome 4; Cerebellar ataxia, intellectual disability, and dysequilibrium syndrome 4. Identifiers: Orphanet 1766, MedGen C3808977, MONDO:0014104, OMIM 615268.

Submission:

Medical Genetics Laboratory, Tarbiat Modares University
Classification: Likely pathogenic for Cerebellar ataxia, impaired intellectual development, and dysequilibrium syndrome 4. Review status: no assertion criteria provided. Collection method: research. Allele origin: germline. Inheritance: Autosomal recessive inheritance. Affected: yes. Observed: 1 variant allele.